The following is an entry in ClinVar:

ClinVar aggregate classification (germline): Likely pathogenic (1 of 4 stars; one submission).

Conditions:
von Willebrand disorder (VWD). Also called: von Willebrand Diseases; Von Willebrand disease (hereditary or acquired); von Willebrand's disease. Identifiers: MedGen C0042974, MeSH D014842, MONDO:0024574.

gnomAD v4.1: 6 of 1,614,234 alleles (0.00037%); highest among the groups gnomAD compares: South Asian, 0.0066%; no homozygotes.

Submission:

Women's Health and Genetics/Laboratory Corporation of America, LabCorp
Classification: Likely pathogenic for von Willebrand disorder. Last evaluated: 2026-05-27. Review status: criteria provided, single submitter. Criteria: LabCorp Variant Classification Summary - May 2015. Collection method: clinical testing. Allele origin: germline.
Comment: Variant summary: VWF c.6709T>C (p.Cys2237Arg) results in a non-conservative amino acid change in the encoded protein sequence. Algorithms developed to predict the effect of missense changes on protein structure and function all suggest that this variant is likely to be disruptive. The variant allele was found at a frequency of 1.6e-05 in 251394 control chromosomes (gnomAD). c.6709T>C has been observed in individuals affected with Von Willebrand Disease in both the homozygous and heterozygous state (e.g. Bowman_2013, Ahmed_2019, Sadler_2021). These data indicate that the variant is likely to be associated with disease. To our knowledge, no experimental evidence demonstrating an impact on protein function has been reported. The following publications have been ascertained in the context of this evaluation (PMID: 23311757, 31532876, 33556167). No submitters have cited clinical-significance assessments for this variant to ClinVar. Based on the evidence outlined above, the variant was classified as likely pathogenic.

Literature cited by the submitters: PubMed 33556167; PubMed 23311757; PubMed 31532876.

NM_000552.5(VWF):c.6709T>C (p.Cys2237Arg)

Gene: VWF (von Willebrand factor; minus strand). Cytogenetic location: 12p13.31.
Variant type: single nucleotide variant.
Coding change: c.6709T>C on transcript NM_000552.5 (MANE Select); coding-DNA position 6709, T replaced by C.
Protein change: p.Cys2237Arg; replaces cysteine 2237 with arginine.
Molecular consequence: missense variant.
Genome position (GRCh38, 1-based): chr12:5,991,908, A>G on the plus strand (T>C on the coding strand, the complement: VWF is on the minus strand). VCF-style: chr12-5991908-A-G. GRCh37 (hg19) VCF-style: chr12-6101074-A-G.
Other names: short protein forms C2237R.
Identifiers: ClinVar variation 4853453 (VCV004853453.1).